The following is an entry in ClinVar:

ClinVar aggregate classification (germline): Uncertain significance (1 of 4 stars; one submission).

Submission:

Labcorp Genetics (formerly Invitae), Labcorp
Classification: Uncertain significance. Last evaluated: 2020-09-02. Review status: criteria provided, single submitter. Criteria: Invitae Variant Classification Sherloc (09022015). Collection method: clinical testing. Allele origin: unknown.
Comment: This variant results in the deletion of exon(s) 8-9 and part of exon 10 (c.714-41_982del) of the CLUAP1 gene. It is expected to disrupt RNA splicing and likely results in an absent or disrupted protein product. This variant has not been reported in the literature in individuals with CLUAP1-related conditions. The current clinical and genetic evidence is not sufficient to establish whether loss-of-function variants in CLUAP1 cause disease. In summary, the available evidence is currently insufficient to determine the role of this variant in disease. Therefore, it has been classified as a Variant of Uncertain Significance.

NC_000016.9:g.(?_3573117)_(3580621_?)del

Gene: CLUAP1 (clusterin associated protein 1; plus strand). Cytogenetic location: 16p13.3.
Variant type: Deletion.
Identifiers: ClinVar variation 3243647 (VCV003243647.1).